The following is an entry in ClinVar:

NM_002458.3(MUC5B):c.7006G>A (p.Gly2336Arg)

Genes: MUC5B (mucin 5B, oligomeric mucus/gel-forming; plus strand), MUC5B-AS1 (MUC5B antisense RNA 1; minus strand). Cytogenetic location: 11p15.5.
Variant type: single nucleotide variant.
Coding change: c.7006G>A on transcript NM_002458.3 (MANE Select); coding-DNA position 7006, G replaced by A.
Protein change: p.Gly2336Arg; replaces glycine 2336 with arginine.
Molecular consequence: missense variant.
Genome position (GRCh38, 1-based): chr11:1,243,886, G>A. VCF-style: chr11-1243886-G-A. GRCh37 (hg19) VCF-style: chr11-1265116-G-A.
Other names: short protein forms G2336R.
Identifiers: ClinVar variation 2261508 (VCV002261508.3), dbSNP rs1451060090, ClinGen allele CA379059821.

ClinVar aggregate classification (germline): Uncertain significance (1 of 4 stars; one submission).

Submission:

Ambry Genetics
Classification: Uncertain significance. Last evaluated: 2026-08-05. Review status: criteria provided, single submitter. Criteria: Ambry Variant Classification Scheme 2023. Collection method: clinical testing. Allele origin: germline.
Comment: The c.7006G>A (p.G2336R) alteration is located in exon 31 (coding exon 31) of the MUC5B gene. This alteration results from a G to A substitution at nucleotide position 7006, causing the glycine (G) at amino acid position 2336 to be replaced by an arginine (R). Based on data from gnomAD, the A allele has an overall frequency of 0.002% (3/180200) total alleles studied. The highest observed frequency was 0.021% (2/9530) of African alleles. Based on insufficient or conflicting evidence, the clinical significance of this alteration remains unclear.